The following is an entry in ClinVar:

NM_022051.3(EGLN1):c.380G>C (p.Cys127Ser)

Gene: EGLN1 (egl-9 family hypoxia inducible factor 1; minus strand). Cytogenetic location: 1q42.2.
Variant type: single nucleotide variant.
Coding change: c.380G>C on transcript NM_022051.3 (MANE Select); coding-DNA position 380, G replaced by C.
Protein change: p.Cys127Ser; replaces cysteine 127 with serine.
Molecular consequence: missense variant.
Genome position (GRCh38, 1-based): chr1:231,421,509, C>G on the plus strand (G>C on the coding strand, the complement: EGLN1 is on the minus strand). VCF-style: chr1-231421509-C-G. GRCh37 (hg19) VCF-style: chr1-231557255-C-G.
Other names: c.380G>C, p.Cys127Ser (NM_001377260.1, NM_001377261.1); short protein forms C127S.
Identifiers: ClinVar variation 242640 (VCV000242640.21), dbSNP rs12097901, ClinGen allele CA1453188.

ClinVar aggregate classification (germline): Benign/Likely benign. Review status: criteria provided, multiple submitters, no conflicts (2 of 4 stars). 8 submissions from 8 submitters: Benign (7); Likely benign (1). Last evaluated 2026-02-04.

Conditions:
Erythrocytosis, familial, 3 (ECYT3). Identifiers: Orphanet 247511, MedGen C1853286, MONDO:0012353, OMIM 609820.

Allele frequency attached by ClinVar (database versions not stated): gnomAD exomes 0.10040; gnomAD 0.15191 and 0.15675; TOPMed 0.16603; 1000 Genomes Project 0.26038; ExAC 0.29630.
gnomAD v4.1: 118,137 of 1,318,298 alleles (9%); highest among the groups gnomAD compares: East Asian, 45%; 10,267 homozygotes.

Submissions (8):

Labcorp Genetics (formerly Invitae), Labcorp
Classification: Benign for Erythrocytosis, familial, 3. Last evaluated: 2026-02-04. Review status: criteria provided, single submitter. Criteria: Invitae Variant Classification Sherloc (09022015). Collection method: clinical testing. Allele origin: germline.

ARUP Laboratories, Molecular Genetics and Genomics, ARUP Laboratories
Classification: Benign. Last evaluated: 2025-07-24. Review status: criteria provided, single submitter. Criteria: ARUP Molecular Germline Variant Investigation Process 2024. Collection method: clinical testing. Allele origin: germline.

Mayo Clinic Laboratories, Mayo Clinic
Classification: Benign. Last evaluated: 2025-04-09. Review status: criteria provided, single submitter. Criteria: ACMG Guidelines, 2015. Collection method: clinical testing. Allele origin: germline. Observed: 56 variant alleles.
Comment: BA1

Blueprint Genetics
Classification: Likely benign. Last evaluated: 2024-11-26. Review status: criteria provided, single submitter. Criteria: ACMG Guidelines, 2015. Collection method: clinical testing. Allele origin: germline.

Ambry Genetics
Classification: Benign. Last evaluated: 2020-07-27. Review status: criteria provided, single submitter. Criteria: Ambry Variant Classification Scheme 2023. Collection method: clinical testing. Allele origin: germline.

GeneDx
Classification: Benign. Last evaluated: 2018-06-22. Review status: criteria provided, single submitter. Criteria: GeneDx Variant Classification Process June 2021. Collection method: clinical testing. Allele origin: germline. Affected: yes.
Comment: This variant is associated with the following publications: (PMID: 30906831, 23666208, 25129147, 24711448, 28233034, 32377332)

Illumina Laboratory Services, Illumina
Classification: Benign for Erythrocytosis, familial, 3. Last evaluated: 2018-01-12. Review status: criteria provided, single submitter. Criteria: ICSL Variant Classification Criteria 13 December 2019. Collection method: clinical testing. Allele origin: germline.
Comment: This variant was observed in the ICSL laboratory as part of a predisposition screen in an ostensibly healthy population. It had not been previously curated by ICSL or reported in the Human Gene Mutation Database (HGMD: prior to June 1st, 2018), and was therefore a candidate for classification through an automated scoring system. Utilizing variant allele frequency, disease prevalence and penetrance estimates, and inheritance mode, an automated score was calculated to assess if this variant is too frequent to cause the disease. Based on the score and internal cut-off values, a variant classified as benign is not then subjected to further curation. The score for this variant resulted in a classification of benign for this disease.

Breakthrough Genomics
Classification: Benign. Review status: criteria provided, single submitter. Criteria: ACMG Guidelines, 2015. Collection method: not provided. Allele origin: germline. Inheritance: Autosomal dominant inheritance. Affected: yes.